The following is an entry in ClinVar:

NM_002618.4(PEX13):c.116T>C (p.Leu39Ser)

Gene: PEX13 (peroxisomal biogenesis factor 13; plus strand). Cytogenetic location: 2p15.
Variant type: single nucleotide variant.
Coding change: c.116T>C on transcript NM_002618.4 (MANE Select); coding-DNA position 116, T replaced by C.
Protein change: p.Leu39Ser; replaces leucine 39 with serine.
Molecular consequence: missense variant.
Genome position (GRCh38, 1-based): chr2:61,031,442, T>C. VCF-style: chr2-61031442-T-C. GRCh37 (hg19) VCF-style: chr2-61258577-T-C.
Other names: c.116T>C (NM_002618.3); short protein forms L39S.
Identifiers: ClinVar variation 1471612 (VCV001471612.6), dbSNP rs1351769986, ClinGen allele CA346940951.

ClinVar aggregate classification (germline): Uncertain significance. Review status: criteria provided, multiple submitters, no conflicts (2 of 4 stars). 2 submissions from 2 submitters: Uncertain significance (2). Last evaluated 2024-01-30.

Conditions:
Peroxisome biogenesis disorder 11A (Zellweger). Also called: Peroxisome biogenesis disorder 11A. Identifiers: Orphanet 912, MedGen C3554000, MONDO:0013949, OMIM 614883.
Inborn genetic diseases. Identifiers: MedGen C0950123, MeSH D030342.

Allele frequency attached by ClinVar (database versions not stated): gnomAD 0.00001; gnomAD exomes 0.00001; TOPMed 0.00001.
gnomAD v4.1: 5 of 1,614,048 alleles (0.00031%); highest among the groups gnomAD compares: African/African-American, 0.0067%; no homozygotes.

Submissions (2):

Ambry Genetics
Classification: Uncertain significance for Inborn genetic diseases. Last evaluated: 2024-01-30. Review status: criteria provided, single submitter. Criteria: Ambry Variant Classification Scheme 2023. Collection method: clinical testing. Allele origin: germline.

Labcorp Genetics (formerly Invitae), Labcorp
Classification: Uncertain significance for Peroxisome biogenesis disorder 11A (Zellweger). Last evaluated: 2022-05-28. Review status: criteria provided, single submitter. Criteria: Invitae Variant Classification Sherloc (09022015). Collection method: clinical testing. Allele origin: germline.
Comment: This sequence change replaces leucine, which is neutral and non-polar, with serine, which is neutral and polar, at codon 39 of the PEX13 protein (p.Leu39Ser). This variant is present in population databases (no rsID available, gnomAD 0.01%). This variant has not been reported in the literature in individuals affected with PEX13-related conditions. ClinVar contains an entry for this variant (Variation ID: 1471612). Algorithms developed to predict the effect of missense changes on protein structure and function (SIFT, PolyPhen-2, Align-GVGD) all suggest that this variant is likely to be tolerated. In summary, the available evidence is currently insufficient to determine the role of this variant in disease. Therefore, it has been classified as a Variant of Uncertain Significance.